The following is an entry in ClinVar:

NM_007294.4(BRCA1):c.5407-11_5407-3del

Gene: BRCA1 (BRCA1 DNA repair associated; minus strand). Cytogenetic location: 17q21.31.
Variant type: Deletion.
Coding change: c.5407-11_5407-3del on transcript NM_007294.4 (MANE Select); 11 bases into the intron before coding-DNA position 5407 through 3 bases into the intron before coding-DNA position 5407, 9 bases deleted (TGGGGATCC; older notation c.5407-11_5407-3delTGGGGATCC).
Molecular consequence: intron variant.
Genome position (GRCh38, 1-based): chr17:43,047,706-43,047,714, GGATCCCCA deleted on the plus strand (TGGGGATCC on the coding strand, the reverse complement: BRCA1 is on the minus strand); deleting any 9 consecutive bases within chr17:43,047,706-43,047,717 gives the same sequence; the c. name uses the placement nearest the transcript's 3' end. VCF-style (leftmost placement, unchanged base first): chr17-43047705-TGGATCCCCA-T. GRCh37 (hg19) VCF-style: chr17-41199722-TGGATCCCCA-T.
Other names: c.5407-11_5407-3delTGGGGATCC (NM_007294.3); c.5266-11_5266-3del (NM_007297.4, NM_001407731.1, NM_001407695.1 and 12 more transcripts); c.1894-11_1894-3del (NM_001408475.1, NM_001408476.1); c.5200-11_5200-3del (NM_001407875.1, NM_001407874.1); c.5323-11_5323-3del (NM_001407659.1, NM_001407662.1, NM_001407660.1 and 2 more transcripts); c.2017-11_2017-3del (NM_001408412.1, NM_001408413.1, NM_001408416.1 and 2 more transcripts); c.5326-11_5326-3del (NM_001407656.1, NM_001407657.1, NM_001407658.1); c.5329-11_5329-3del (NM_001407654.1, NM_001407652.1, NM_001407653.1 and 1 more transcripts); and 84 more.
Identifiers: ClinVar variation 420924 (VCV000420924.12), dbSNP rs1064794794, ClinGen allele CA16620418.
Genomic context (GRCh38, chr17:43,047,705, plus strand): 5'-TGGAAGCCATTGTCCTCTGTCCAGGCATCTGGCTGCACAACCACAATTGGGTGGACACCC[TGGATCCCCA>T]GGAAGGAAAGAGCATTCAAAGTGTCAAAGTAGGACTACTGGAACTGTCACTTCATCATTT-3'

ClinVar aggregate classification (germline): Likely benign. Review status: criteria provided, multiple submitters, no conflicts (2 of 4 stars). 3 submissions from 3 submitters: Likely benign (3). Last evaluated 2024-07-20.

Conditions:
Hereditary breast ovarian cancer syndrome. Also called: Hereditary breast and ovarian cancer; Hereditary breast and/or ovarian cancer syndrome; Hereditary breast and ovarian cancer syndrome; Hereditary breast and ovarian cancer syndrome (HBOC); Breast and ovarian cancer; BRCA1- and BRCA2-Associated Hereditary Breast and Ovarian Cancer. Identifiers: Orphanet 145, MedGen C0677776, MeSH D061325, MONDO:0003582. Disease mechanism: loss of function.
BRCA1-related cancer predisposition. Identifiers: MedGen CN377757, MONDO:0700268.

Submissions (3):

All of Us Research Program, National Institutes of Health
Classification: Likely benign for BRCA1-related cancer predisposition. Last evaluated: 2024-07-20. Review status: criteria provided, single submitter. Criteria: ACMG Guidelines, 2015. Collection method: clinical testing. Allele origin: germline. Inheritance: Autosomal dominant inheritance. Observed: 1 variant allele, 1 heterozygote.
Comment: This study involves interpretation of variants in research participants for the purpose of population health screening. Participant phenotype was not available at the time of variant classification. Additional details can be found in publication PMID: 35346344, PMCID: PMC8962531

Labcorp Genetics (formerly Invitae), Labcorp
Classification: Likely benign for Hereditary breast ovarian cancer syndrome. Last evaluated: 2023-08-21. Review status: criteria provided, single submitter. Criteria: Invitae Variant Classification Sherloc (09022015). Collection method: clinical testing. Allele origin: germline.

GeneDx
Classification: Likely benign. Last evaluated: 2016-04-13. Review status: criteria provided, single submitter. Criteria: GeneDx Variant Classification (06012015). Collection method: clinical testing. Allele origin: germline. Affected: yes.
Comment: This variant is considered likely benign or benign based on one or more of the following criteria: it is a conservative change, it occurs at a poorly conserved position in the protein, it is predicted to be benign by multiple in silico algorithms, and/or has population frequency not consistent with disease.